The following is an entry in ClinVar:

NM_031475.3(ESPN):c.2326-1406C>A

Gene: ESPN (espin; plus strand). Cytogenetic location: 1p36.31.
Variant type: single nucleotide variant.
Coding change: c.2326-1406C>A on transcript NM_031475.3 (MANE Select); 1406 bases into the intron before coding-DNA position 2326, C replaced by A.
Molecular consequence: intron variant.
Genome position (GRCh38, 1-based): chr1:6,455,778, C>A. VCF-style: chr1-6455778-C-A. GRCh37 (hg19) VCF-style: chr1-6515838-C-A.
Other names: c.2263-1406C>A (NM_001367474.1); c.2236-1406C>A (NM_001367473.1).
Identifiers: ClinVar variation 2570709 (VCV002570709.27), dbSNP rs180961851, ClinGen allele CA17219216.

ClinVar aggregate classification (germline): Likely benign (1 of 4 stars; one submission).

Allele frequency attached by ClinVar (database versions not stated): 1000 Genomes Project 0.00379; 1000 Genomes Project 30x 0.00422; gnomAD 0.00450.
gnomAD v4.1: 1,859 of 398,976 alleles (0.47%); highest among the groups gnomAD compares: Middle Eastern, 2.3%; 10 homozygotes.

Submission:

CeGaT Center for Human Genetics Tuebingen
Classification: Likely benign. Last evaluated: 2023-05-01. Review status: criteria provided, single submitter. Criteria: CeGaT Center For Human Genetics Tuebingen Variant Classification Criteria Version 2. Collection method: clinical testing. Allele origin: germline. Affected: yes. Observed: 3 variant alleles.
Comment: ESPN: BS2